The following is an entry in ClinVar:

NM_000532.5(PCCB):c.1143_1144dup (p.Asp382fs)

Gene: PCCB (propionyl-CoA carboxylase subunit beta; plus strand). Cytogenetic location: 3q22.3.
Variant type: Microsatellite.
Coding change: c.1143_1144dup on transcript NM_000532.5 (MANE Select); coding-DNA positions 1143 to 1144, 2 bases duplicated (TG; older notation c.1143_1144dupTG).
Protein change: p.Asp382fs; shifts the reading frame from aspartic acid 382.
Molecular consequence: frameshift variant.
Genome position (GRCh38, 1-based): chr3:136,326,855-136,326,856, TG duplicated; duplicating any 2 consecutive bases within chr3:136,326,853-136,326,856 gives the same sequence; the c. name uses the placement nearest the transcript's 3' end. VCF-style (leftmost placement, unchanged base first): chr3-136326852-C-CTG. GRCh37 (hg19) VCF-style: chr3-136045694-C-CTG.
Other names: c.1203_1204dup, p.Asp402fs (NM_001178014.2); short protein forms D402fs, D382fs.
Identifiers: ClinVar variation 954956 (VCV000954956.7), dbSNP rs1307858265, ClinGen allele CA899360084.

ClinVar aggregate classification (germline): Pathogenic (1 of 4 stars; one submission).

Conditions:
Propionic acidemia (PROP). Also called: KETOTIC HYPERGLYCINEMIA; GLYCINEMIA, KETOTIC; HYPERGLYCINEMIA WITH KETOACIDOSIS AND LEUKOPENIA. Identifiers: OMIM 606054, HP:0003571, Orphanet 35, MedGen C0268579, MONDO:0011628.

Submission:

Labcorp Genetics (formerly Invitae), Labcorp
Classification: Pathogenic for Propionic acidemia. Last evaluated: 2019-09-25. Review status: criteria provided, single submitter. Criteria: Invitae Variant Classification Sherloc (09022015). Collection method: clinical testing. Allele origin: germline.
Comment: For these reasons, this variant has been classified as Pathogenic. Loss-of-function variants in PCCB are known to be pathogenic (PMID: 15464417). This variant has not been reported in the literature in individuals with PCCB-related conditions. This variant is not present in population databases (ExAC no frequency). This sequence change creates a premature translational stop signal (p.Asp382Valfs*62) in the PCCB gene. It is expected to result in an absent or disrupted protein product.

Literature cited by the submitters: PubMed 15464417.